The following is an entry in ClinVar:

NM_002485.5(NBN):c.1142del (p.Pro381fs)

Gene: NBN (nibrin; minus strand). Cytogenetic location: 8q21.3.
Variant type: Deletion.
Coding change: c.1142del on transcript NM_002485.5 (MANE Select); coding-DNA position 1142, one base deleted (C; older notation c.1142delC).
Protein change: p.Pro381fs; shifts the reading frame from proline 381.
Molecular consequence: frameshift variant.
Genome position (GRCh38, 1-based): chr8:89,955,538, G deleted on the plus strand (C on the coding strand, the reverse complement: NBN is on the minus strand); the first of 2 consecutive G bases (chr8:89,955,538-89,955,539); deleting either gives the same sequence. VCF-style (leftmost placement, unchanged base first): chr8-89955537-TG-T. GRCh37 (hg19) VCF-style: chr8-90967765-TG-T.
Other names: c.1142delC (NM_002485.4); c.896del, p.Pro299fs (NM_001024688.3); short protein forms P299fs.
Identifiers: ClinVar variation 141731 (VCV000141731.79), dbSNP rs587781969, ClinGen allele CA249808.

ClinVar aggregate classification (germline): Pathogenic. Review status: criteria provided, multiple submitters, no conflicts (2 of 4 stars). 16 submissions from 16 submitters: Pathogenic (12). 4 of the submissions do not count toward it. Last evaluated 2025-11-17.

Conditions:
NBN-related disorder. Also called: NBN-related condition.
Microcephaly, normal intelligence and immunodeficiency (NBS). Also called: Nijmegen breakage syndrome; BERLIN BREAKAGE SYNDROME; Ataxia telangiectasia variant V1; SEEMANOVA SYNDROME II; IMMUNODEFICIENCY, MICROCEPHALY, AND CHROMOSOMAL INSTABILITY; Immunodeficiency, microcephaly with normal intelligence. Identifiers: Orphanet 647, MedGen C0398791, MONDO:0009623, OMIM 251260.
Acute lymphoid leukemia (ALL). Also called: Leukemia, acute lymphoblastic, somatic; Lymphoblastic leukemia; Acute lymphoblastic leukemia; Acute lymphocytic leukemia. Identifiers: Orphanet 513, MedGen C0023449, MONDO:0004967, OMIM 613065, HP:0006721.
Aplastic anemia. Identifiers: Orphanet 182040, Orphanet 88, MedGen C0002874, MONDO:0015909, OMIM 609135, HP:0001915.
Hereditary cancer-predisposing syndrome. Also called: Tumor predisposition; Hereditary neoplastic syndrome; Hereditary Cancer Syndrome; Neoplastic Syndromes, Hereditary. Identifiers: Orphanet 140162, MedGen C0027672, MeSH D009386, MONDO:0015356.

Submissions 1 to 11 of 16:

Labcorp Genetics (formerly Invitae), Labcorp
Classification: Pathogenic for Microcephaly, normal intelligence and immunodeficiency. Last evaluated: 2025-11-17. Review status: criteria provided, single submitter. Criteria: Invitae Variant Classification Sherloc (09022015). Collection method: clinical testing. Allele origin: germline.
Comment: This sequence change creates a premature translational stop signal (p.Pro381Glnfs*23) in the NBN gene. It is expected to result in an absent or disrupted protein product. Loss-of-function variants in NBN are known to be pathogenic (PMID: 9590180, 16415040). This variant is present in population databases (rs587781969, gnomAD 0.005%). This premature translational stop signal has been observed in individual(s) with Nijmegen breakage syndrome (PMID: 9590180, 10799436, 12621246, 22006311, 24549055, 26315354). ClinVar contains an entry for this variant (Variation ID: 141731). For these reasons, this variant has been classified as Pathogenic.

Natera, Inc.
Classification: Pathogenic for Nijmegen breakage syndrome. Last evaluated: 2025-10-30. Review status: criteria provided, single submitter. Criteria: Natera Variant Classification Schema (03/2026). Collection method: clinical testing. Allele origin: germline.
Comment: The c.1142delC variant in NBN is a frameshift variant predicted to shift the reading frame beginning at codon 381 and leads to a stop codon 23 codons downstream. This variant is expected to result in nonsense mediated decay, truncation, or a dysfunctional protein product. This variant is rare in the general population with a frequency below the threshold expected for the associated phenotype(s). This variant has been observed in one or more individuals affected with the associated recessive disease, as either homozygous or compound heterozygous with a second variant (PMID: 12621246). Additionally, this variant has been observed to segregate in affected family members (PMID: 12621246). Given the available evidence, this variant is classified as Pathogenic.

CeGaT Center for Human Genetics Tuebingen
Classification: Pathogenic. Last evaluated: 2025-05-01. Review status: criteria provided, single submitter. Criteria: CeGaT Center For Human Genetics Tuebingen Variant Classification Criteria Version 2. Collection method: clinical testing. Allele origin: germline. Affected: yes. Observed: 5 variant alleles.
Comment: NBN: PVS1, PM2

Ambry Genetics
Classification: Pathogenic for Hereditary cancer-predisposing syndrome. Last evaluated: 2024-09-18. Review status: criteria provided, single submitter. Criteria: Ambry Variant Classification Scheme 2023. Collection method: clinical testing. Allele origin: germline.
Comment: The c.1142delC pathogenic mutation, located in coding exon 10 of the NBN gene, results from a deletion of one nucleotide at nucleotide position 1142, causing a translational frameshift with a predicted alternate stop codon (p.P381Qfs*23). This alteration has been described in conjunction with a pathogenic founder mutation in at least one patient with Nijmegen breakage syndrome (Varon R et al. Cell. 1998 May;93:467-76). This alteration has also been reported in cohorts of patients with a personal and/or family history of breast and/or ovarian cancers (Walsh T et al. Proc. Natl. Acad. Sci. USA. 2011 Nov;108:18032-7; Cast&eacute;ra L et al. Eur. J. Hum. Genet. 2014 Nov;22:1305-13; Desmond A et al. JAMA Oncol. 2015 Oct;1:943-51; Lu C et al. Nat Commun. 2015 Dec 22;6:10086; Carter NJ et al. Gynecol Oncol. 2018 12;151:481-488). In addition to the clinical data presented in the literature, this alteration is expected to result in loss of function by premature protein truncation or nonsense-mediated mRNA decay. As such, this alteration is interpreted as a disease-causing mutation.

Baylor Genetics
Classification: Pathogenic for Aplastic anemia. Last evaluated: 2024-03-24. Review status: criteria provided, single submitter. Criteria: ACMG Guidelines, 2015. Collection method: clinical testing. Allele origin: unknown.

Fulgent Genetics
Classification: Pathogenic for Microcephaly, normal intelligence and immunodeficiency; Aplastic anemia; Acute lymphoid leukemia. Last evaluated: 2023-12-30. Review status: criteria provided, single submitter. Criteria: ACMG Guidelines, 2015. Collection method: clinical testing. Allele origin: germline.

Quest Diagnostics Nichols Institute San Juan Capistrano
Classification: Pathogenic. Last evaluated: 2023-12-15. Review status: criteria provided, single submitter. Criteria: Quest Diagnostics criteria. Collection method: clinical testing. Allele origin: unknown.
Comment: The NBN c.1142del (p.Pro381Glnfs*23) variant alters the translational reading frame of the NBN mRNA and causes the premature termination of NBN protein synthesis. This variant has been reported in the published literature in individuals with various cancers including hereditary breast and/or ovarian cancer (PMIDs: 22006311 (2011), 24549055 (2014), 26270727 (2015), 26315354 (2015), 26689913 (2015), 30322717 (2018)), glioma (PMID: 26689913 (2015)), and non small cell lung cancer (PMID: 36346689 (2023)). This variant was also reported along with a second pathogenic variant in individuals with autosomal recessive Nijmegen Breakage syndrome (PMIDs: 9590180 (1998), 10799436 (2000), 12621246 (2003)). The frequency of this variant in the general population, 0.000053 (6/113004 chromosomes (Genome Aggregation Database)), is consistent with pathogenicity. Based on the available information, this variant is classified as pathogenic.

GeneDx
Classification: Pathogenic. Last evaluated: 2023-11-14. Review status: criteria provided, single submitter. Criteria: GeneDx Variant Classification Process June 2021. Collection method: clinical testing. Allele origin: germline. Affected: yes.
Comment: Frameshift variant predicted to result in protein truncation or nonsense mediated decay in a gene for which loss-of-function is a known mechanism of disease; Observed with a pathogenic founder variant in individuals with Nijmegen breakage syndrome in published literature, but it is not known whether the variants occurred on the same (in cis) or on different (in trans) chromosomes in some cases (PMID: 12621246, 9590180); Not observed at significant frequency in large population cohorts (gnomAD); This variant is associated with the following publications: (PMID: 27038244, 22006311, 10799436, 24549055, 18593981, 26315354, 26270727, 15578693, 16033915, 10792024, 24072268, 28152038, 30322717, 30612635, 26689913, 33439686, 31589614, 29625052, 12621246, 9590180, 28888541, 29922827, 33804961, 36003761, 32191290, 34887416, 36451132)

St. Jude Molecular Pathology, St. Jude Children's Research Hospital
Classification: Pathogenic for Microcephaly, normal intelligence and immunodeficiency. Last evaluated: 2023-03-21. Review status: criteria provided, single submitter. Criteria: St. Jude Assertion Criteria 2020. Collection method: clinical testing. Allele origin: germline.
Comment: The NBN c.1142del (p.Pro381GlnfsTer23) change deletes one nucleotide and causes a frameshift and the creation of a premature stop codon. This change is predicted to cause protein truncation or absence of the protein due to nonsense mediated decay. This variant has a maximum subpopulation frequency of 0.0053% in gnomAD v2.1.1. This variant has been reported as compound heterozygous in an individuals affected with Nijmegen breakage syndrome (PMID: 9590180, 12621246). In addition, this variant has been identified in individuals with ovarian cancer (PMID: 22006311, 26315354, 29625052, 30322717). Two individuals with this variant are reported in a database of women older than 70 years of age who have never had cancer (FLOSSIES). In summary, this variant meets criteria to be classified as pathogenic.

Genome-Nilou Lab
Classification: Pathogenic for Microcephaly, normal intelligence and immunodeficiency. Last evaluated: 2021-11-07. Review status: criteria provided, single submitter. Criteria: ACMG Guidelines, 2015. Collection method: clinical testing. Allele origin: germline. Affected: no.

Department of Pathology and Laboratory Medicine, Sinai Health System
Classification: Pathogenic for Nijmegen breakage syndrome. Last evaluated: 2020-04-15. Review status: criteria provided, single submitter. Criteria: ACMG Guidelines, 2015. Collection method: clinical testing. Allele origin: germline. Affected: yes.